The following is an entry in ClinVar:

ClinVar aggregate classification (germline): Uncertain significance (1 of 4 stars; one submission).

Submission:

GeneDx
Classification: Uncertain significance. Last evaluated: 2023-08-04. Review status: criteria provided, single submitter. Criteria: GeneDx Variant Classification Process June 2021. Collection method: clinical testing. Allele origin: germline. Affected: yes.
Comment: Not observed at significant frequency in large population cohorts (gnomAD); In silico analysis supports that this missense variant has a deleterious effect on protein structure/function; Has not been previously published as pathogenic or benign to our knowledge

NM_021005.4(NR2F2):c.1087C>T (p.Leu363Phe)

Gene: NR2F2 (nuclear receptor subfamily 2 group F member 2; plus strand). Cytogenetic location: 15q26.2.
Variant type: single nucleotide variant.
Coding change: c.1087C>T on transcript NM_021005.4 (MANE Select); coding-DNA position 1087, C replaced by T.
Protein change: p.Leu363Phe; replaces leucine 363 with phenylalanine.
Molecular consequence: missense variant.
Genome position (GRCh38, 1-based): chr15:96,337,464, C>T. VCF-style: chr15-96337464-C-T. GRCh37 (hg19) VCF-style: chr15-96880693-C-T.
Other names: c.688C>T, p.Leu230Phe (NM_001145155.2); c.628C>T, p.Leu210Phe (NM_001145156.1, NM_001145157.2); short protein forms L210F, L230F, L363F.
Identifiers: ClinVar variation 3361736 (VCV003361736.1).
Genomic context (GRCh38, chr15:96,337,464, plus strand): 5'-TGTGCTTTGGAAGAATACGTTAGGAGCCAGTACCCCAACCAGCCGACGAGATTCGGAAAG[C>T]TTTTGCTTCGCCTCCCTTCCCTCCGCACCGTCTCCTCCTCAGTCATAGAGCAATTGTTTT-3'
Protein context (NP_066285.1, residues 353-373): YPNQPTRFGK[Leu363Phe]LLRLPSLRTV